The following is an entry in ClinVar:

NM_007373.4(SHOC2):c.633C>G (p.Ile211Met)

Gene: SHOC2 (SHOC2 leucine rich repeat scaffold protein; plus strand). Cytogenetic location: 10q25.2.
Variant type: single nucleotide variant.
Coding change: c.633C>G on transcript NM_007373.4 (MANE Select); coding-DNA position 633, C replaced by G.
Protein change: p.Ile211Met; replaces isoleucine 211 with methionine.
Molecular consequence: missense variant.
Genome position (GRCh38, 1-based): chr10:110,964,991, C>G. VCF-style: chr10-110964991-C-G. GRCh37 (hg19) VCF-style: chr10-112724749-C-G.
Other names: c.633C>G, p.Ile211Met (NM_001269039.3, NM_001324336.2, NM_001324337.2); short protein forms I211M.
Identifiers: ClinVar variation 2180360 (VCV002180360.5), dbSNP rs1050720476, ClinGen allele CA378386336.

ClinVar aggregate classification (germline): Uncertain significance. Review status: criteria provided, multiple submitters, no conflicts (2 of 4 stars). 2 submissions from 2 submitters: Uncertain significance (2). Last evaluated 2025-06-10.

Conditions:
Cardiovascular phenotype. Identifiers: MedGen CN230736.
RASopathy. Also called: rasopathies; Noonan spectrum disorder. Identifiers: Orphanet 536391, MedGen C5555857, MONDO:0021060.

Allele frequency attached by ClinVar (database versions not stated): gnomAD exomes 0.00001.
gnomAD v4.1: 14 of 1,613,726 alleles (0.00087%); highest among the groups gnomAD compares: South Asian, 0.013%; no homozygotes.

Submissions (2):

Ambry Genetics
Classification: Uncertain significance for Cardiovascular phenotype. Last evaluated: 2025-06-10. Review status: criteria provided, single submitter. Criteria: Ambry Variant Classification Scheme 2023. Collection method: clinical testing. Allele origin: germline.
Comment: The p.I211M variant (also known as c.633C>G), located in coding exon 1 of the SHOC2 gene, results from a C to G substitution at nucleotide position 633. The isoleucine at codon 211 is replaced by methionine, an amino acid with highly similar properties. This amino acid position is conserved. In addition, this alteration is predicted to be tolerated by in silico analysis. Based on the available evidence, the clinical significance of this variant remains unclear.

Labcorp Genetics (formerly Invitae), Labcorp
Classification: Uncertain significance for RASopathy. Last evaluated: 2025-02-12. Review status: criteria provided, single submitter. Criteria: Invitae Variant Classification Sherloc (09022015). Collection method: clinical testing. Allele origin: germline.
Comment: This sequence change replaces isoleucine, which is neutral and non-polar, with methionine, which is neutral and non-polar, at codon 211 of the SHOC2 protein (p.Ile211Met). This variant is present in population databases (no rsID available, gnomAD 0.003%). This variant has not been reported in the literature in individuals affected with SHOC2-related conditions. ClinVar contains an entry for this variant (Variation ID: 2180360). Invitae Evidence Modeling of protein sequence and biophysical properties (such as structural, functional, and spatial information, amino acid conservation, physicochemical variation, residue mobility, and thermodynamic stability) has been performed for this missense variant. However, the output from this modeling did not meet the statistical confidence thresholds required to predict the impact of this variant on SHOC2 protein function. In summary, the available evidence is currently insufficient to determine the role of this variant in disease. Therefore, it has been classified as a Variant of Uncertain Significance.